The following is an entry in ClinVar:

ClinVar aggregate classification (germline): Uncertain significance (1 of 4 stars; one submission).

gnomAD v4.1: 51 of 1,612,326 alleles (0.0032%); highest among the groups gnomAD compares: Non-Finnish European, 0.0039%; no homozygotes.

Submission:

Labcorp Genetics (formerly Invitae), Labcorp
Classification: Uncertain significance. Last evaluated: 2025-07-25. Review status: criteria provided, single submitter. Criteria: Invitae Variant Classification Sherloc (09022015). Collection method: clinical testing. Allele origin: germline.
Comment: This sequence change replaces arginine, which is basic and polar, with glutamine, which is neutral and polar, at codon 383 of the HMCN1 protein (p.Arg383Gln). This variant is present in population databases (rs765695227, gnomAD 0.006%). This variant has not been reported in the literature in individuals affected with HMCN1-related conditions. An algorithm developed to predict the effect of missense changes on protein structure and function outputs the following: PolyPhen-2: "Possibly Damaging". The glutamine amino acid residue is found in multiple mammalian species, which suggests that this missense change does not adversely affect protein function. In summary, the available evidence is currently insufficient to determine the role of this variant in disease. Therefore, it has been classified as a Variant of Uncertain Significance.

NM_031935.3(HMCN1):c.1148G>A (p.Arg383Gln)

Gene: HMCN1 (hemicentin 1; plus strand). Cytogenetic location: 1q31.1.
Variant type: single nucleotide variant.
Coding change: c.1148G>A on transcript NM_031935.3 (MANE Select); coding-DNA position 1148, G replaced by A.
Protein change: p.Arg383Gln; replaces arginine 383 with glutamine.
Molecular consequence: missense variant.
Genome position (GRCh38, 1-based): chr1:185,923,516, G>A. VCF-style: chr1-185923516-G-A. GRCh37 (hg19) VCF-style: chr1-185892648-G-A.
Other names: short protein forms R383Q.
Identifiers: ClinVar variation 4693458 (VCV004693458.1).